The following is an entry in ClinVar:

ClinVar aggregate classification (germline): Uncertain significance. Review status: criteria provided, multiple submitters, no conflicts (2 of 4 stars). 2 submissions from 2 submitters: Uncertain significance (2). Last evaluated 2024-11-08.

Conditions:
Pierson syndrome. Also called: MICROCORIA-CONGENITAL NEPHROTIC SYNDROME. Identifiers: Orphanet 2670, MedGen C1836876, MONDO:0012184, OMIM 609049.
LAMB2-related infantile-onset nephrotic syndrome. Also called: Nephrotic Syndrome, type 5; NEPHROTIC SYNDROME, TYPE 5, WITHOUT OCULAR ABNORMALITIES; NEPHROTIC SYNDROME, TYPE 5, WITH OCULAR ABNORMALITIES. Identifiers: Orphanet 306507, MedGen C3280113, MONDO:0013621, OMIM 614199.
Inborn genetic diseases. Identifiers: MedGen C0950123, MeSH D030342.

Submissions (2):

Ambry Genetics
Classification: Uncertain significance for Inborn genetic diseases. Last evaluated: 2024-11-08. Review status: criteria provided, single submitter. Criteria: Ambry Variant Classification Scheme 2023. Collection method: clinical testing. Allele origin: germline.

Labcorp Genetics (formerly Invitae), Labcorp
Classification: Uncertain significance for LAMB2-related infantile-onset nephrotic syndrome; Pierson syndrome. Last evaluated: 2022-07-12. Review status: criteria provided, single submitter. Criteria: Invitae Variant Classification Sherloc (09022015). Collection method: clinical testing. Allele origin: germline.
Comment: ClinVar contains an entry for this variant (Variation ID: 954450). In summary, the available evidence is currently insufficient to determine the role of this variant in disease. Therefore, it has been classified as a Variant of Uncertain Significance. Algorithms developed to predict the effect of missense changes on protein structure and function are either unavailable or do not agree on the potential impact of this missense change (SIFT: "Deleterious"; PolyPhen-2: "Benign"; Align-GVGD: "Class C25"). This variant has not been reported in the literature in individuals affected with LAMB2-related conditions. This variant is not present in population databases (gnomAD no frequency). This sequence change replaces alanine, which is neutral and non-polar, with valine, which is neutral and non-polar, at codon 830 of the LAMB2 protein (p.Ala830Val).

NM_002292.4(LAMB2):c.2489C>T (p.Ala830Val)

Gene: LAMB2 (laminin subunit beta 2; minus strand). Cytogenetic location: 3p21.31.
Variant type: single nucleotide variant.
Coding change: c.2489C>T on transcript NM_002292.4 (MANE Select); coding-DNA position 2489, C replaced by T.
Protein change: p.Ala830Val; replaces alanine 830 with valine.
Molecular consequence: missense variant.
Genome position (GRCh38, 1-based): chr3:49,125,484, G>A on the plus strand (C>T on the coding strand, the complement: LAMB2 is on the minus strand). VCF-style: chr3-49125484-G-A. GRCh37 (hg19) VCF-style: chr3-49162917-G-A.
Other names: short protein forms A830V.
Identifiers: ClinVar variation 954450 (VCV000954450.8), dbSNP rs2045403063, ClinGen allele CA352721091.